The following is an entry in ClinVar:

NM_001128840.3(CACNA1D):c.5684A>G (p.Asp1895Gly)

Gene: CACNA1D (calcium voltage-gated channel subunit alpha1 D; plus strand). Cytogenetic location: 3p21.1.
Variant type: single nucleotide variant.
Coding change: c.5684A>G on transcript NM_001128840.3 (MANE Select); coding-DNA position 5684, A replaced by G.
Protein change: p.Asp1895Gly; replaces aspartic acid 1895 with glycine.
Molecular consequence: missense variant.
Genome position (GRCh38, 1-based): chr3:53,805,081, A>G. VCF-style: chr3-53805081-A-G. GRCh37 (hg19) VCF-style: chr3-53839108-A-G.
Other names: c.5744A>G, p.Asp1915Gly (NM_000720.4); c.5612A>G, p.Asp1871Gly (NM_001128839.3); short protein forms D1871G, D1895G, D1915G.
Identifiers: ClinVar variation 1722106 (VCV001722106.5), dbSNP rs1167330533, ClinGen allele CA353254700.

ClinVar aggregate classification (germline): Uncertain significance (1 of 4 stars; one submission).

Allele frequency attached by ClinVar (database versions not stated): TOPMed below 0.00001.
gnomAD v4.1: 2 of 1,613,966 alleles (0.00012%); highest among the groups gnomAD compares: African/African-American, 0.0013%; no homozygotes.

Submission:

Labcorp Genetics (formerly Invitae), Labcorp
Classification: Uncertain significance. Last evaluated: 2024-06-11. Review status: criteria provided, single submitter. Criteria: Invitae Variant Classification Sherloc (09022015). Collection method: clinical testing. Allele origin: germline.
Comment: This sequence change replaces aspartic acid, which is acidic and polar, with glycine, which is neutral and non-polar, at codon 1915 of the CACNA1D protein (p.Asp1915Gly). This variant is not present in population databases (gnomAD no frequency). This variant has not been reported in the literature in individuals affected with CACNA1D-related conditions. ClinVar contains an entry for this variant (Variation ID: 1722106). An algorithm developed to predict the effect of missense changes on protein structure and function (PolyPhen-2) suggests that this variant is likely to be disruptive. In summary, the available evidence is currently insufficient to determine the role of this variant in disease. Therefore, it has been classified as a Variant of Uncertain Significance.